The following is an entry in ClinVar:

ClinVar aggregate classification (germline): Uncertain significance (1 of 4 stars; one submission).

Conditions:
Arrhythmogenic cardiomyopathy with wooly hair and keratoderma. Also called: Dilated cardiomyopathy with woolly hair and keratoderma; Arrhythmogenic cardiomyopathy with woolly hair and keratoderma; PALMOPLANTAR KERATODERMA WITH LEFT VENTRICULAR CARDIOMYOPATHY AND WOOLLY HAIR; Carvajal syndrome. Identifiers: Orphanet 65282, MedGen C1854063, MONDO:0011581, OMIM 605676.
Arrhythmogenic right ventricular dysplasia 8 (ARVD8). Also called: ARRHYTHMOGENIC RIGHT VENTRICULAR DYSPLASIA, FAMILIAL, 8; ARRHYTHMOGENIC RIGHT VENTRICULAR CARDIOMYOPATHY 8; Arrhythmogenic Right Ventricular Dysplasia/Cardiomyopathy 8. Identifiers: MedGen C1843896, MONDO:0011831, OMIM 607450.

Allele frequency attached by ClinVar (database versions not stated): gnomAD 0.00001.

Submission:

Labcorp Genetics (formerly Invitae), Labcorp
Classification: Uncertain significance for Arrhythmogenic cardiomyopathy with wooly hair and keratoderma; Arrhythmogenic right ventricular dysplasia 8. Last evaluated: 2018-07-11. Review status: criteria provided, single submitter. Criteria: Invitae Variant Classification Sherloc (09022015). Collection method: clinical testing. Allele origin: germline.
Comment: This sequence change affects codon 877 of the DSP mRNA. It is a 'silent' change, meaning that it does not change the encoded amino acid sequence of the DSP protein. This variant is not present in population databases (ExAC no frequency). This variant has not been reported in the literature in individuals with DSP-related disease. Algorithms developed to predict the effect of sequence changes on RNA splicing suggest that this variant is not likely to affect RNA splicing, but this prediction has not been confirmed by published transcriptional studies. In summary, the available evidence is currently insufficient to determine the role of this variant in disease. Therefore, it has been classified as a Variant of Uncertain Significance.

NM_004415.4(DSP):c.2629A>C (p.Arg877=)

Gene: DSP (desmoplakin; plus strand). Cytogenetic location: 6p24.3.
Variant type: single nucleotide variant.
Coding change: c.2629A>C on transcript NM_004415.4 (MANE Select); coding-DNA position 2629, A replaced by C.
Protein change: p.Arg877=; no amino-acid change (arginine 877 retained).
Molecular consequence: synonymous variant.
Genome position (GRCh38, 1-based): chr6:7,575,487, A>C. VCF-style: chr6-7575487-A-C. GRCh37 (hg19) VCF-style: chr6-7575720-A-C.
Other names: c.2629A>C (LRG_423t1); c.2629A>C, p.Arg877= (NM_001008844.3, NM_001319034.2).
Identifiers: ClinVar variation 644137 (VCV000644137.3), dbSNP rs1581810753, ClinGen allele CA448528045.